The following is an entry in ClinVar:

ClinVar aggregate classification (germline): Uncertain significance (1 of 4 stars; one submission).

gnomAD v4.1: 4 of 1,614,190 alleles (0.00025%); highest among the groups gnomAD compares: South Asian, 0.0011%; no homozygotes.

Submission:

CeGaT Center for Human Genetics Tuebingen
Classification: Uncertain significance. Last evaluated: 2024-09-01. Review status: criteria provided, single submitter. Criteria: CeGaT Center For Human Genetics Tuebingen Variant Classification Criteria Version 2. Collection method: clinical testing. Allele origin: germline. Affected: yes. Observed: 1 variant allele.
Comment: MOGS: PM2, PM3, PP4:Moderate, BP4

NM_006302.3(MOGS):c.1802G>A (p.Arg601Gln)

Gene: MOGS (mannosyl-oligosaccharide glucosidase; minus strand). Cytogenetic location: 2p13.1.
Variant type: single nucleotide variant.
Coding change: c.1802G>A on transcript NM_006302.3 (MANE Select); coding-DNA position 1802, G replaced by A.
Protein change: p.Arg601Gln; replaces arginine 601 with glutamine.
Molecular consequence: missense variant.
Genome position (GRCh38, 1-based): chr2:74,461,987, C>T on the plus strand (G>A on the coding strand, the complement: MOGS is on the minus strand). VCF-style: chr2-74461987-C-T. GRCh37 (hg19) VCF-style: chr2-74689114-C-T.
Other names: c.1484G>A, p.Arg495Gln (NM_001146158.2); short protein forms R495Q, R601Q.
Identifiers: ClinVar variation 3389009 (VCV003389009.14).